The following is an entry in ClinVar:

ClinVar aggregate classification (germline): Uncertain significance. Review status: criteria provided, multiple submitters, no conflicts (2 of 4 stars). 2 submissions from 2 submitters: Uncertain significance (2). Last evaluated 2022-02-11.

Conditions:
Peripheral neuropathy. Also called: Neuropathy. Identifiers: MedGen C0031117, MONDO:0005244, HP:0009830.

Allele frequency attached by ClinVar (database versions not stated): gnomAD 0.00001; gnomAD exomes 0.00001 and 0.00006; TOPMed 0.00003; ExAC 0.00005.
gnomAD v4.1: 17 of 1,613,708 alleles (0.0011%); highest among the groups gnomAD compares: Admixed American, 0.028%; no homozygotes.

Submissions (2):

Ambry Genetics
Classification: Uncertain significance. Last evaluated: 2022-02-11. Review status: criteria provided, single submitter. Criteria: Ambry Variant Classification Scheme 2023. Collection method: clinical testing. Allele origin: germline.

Labcorp Genetics (formerly Invitae), Labcorp
Classification: Uncertain significance for Peripheral neuropathy. Last evaluated: 2017-09-20. Review status: criteria provided, single submitter. Criteria: Invitae Variant Classification Sherloc (09022015). Collection method: clinical testing. Allele origin: germline.
Comment: This sequence change replaces glycine with arginine at codon 71 of the FLRT1 protein (p.Gly71Arg). The glycine residue is highly conserved and there is a moderate physicochemical difference between glycine and arginine. This variant is present in population databases (rs777177875, ExAC 0.05%). This variant has not been reported in the literature in individuals with FLRT1-related disease. Algorithms developed to predict the effect of missense changes on protein structure and function do not agree on the potential impact of this missense change (SIFT: "Deleterious"; PolyPhen-2: "Probably Damaging"; Align-GVGD: "Class C15"). In summary, the available evidence is currently insufficient to determine the role of this variant in disease. Therefore, it has been classified as a Variant of Uncertain Significance.

NM_013280.5(FLRT1):c.211G>C (p.Gly71Arg)

Genes: FLRT1 (fibronectin leucine rich transmembrane protein 1; plus strand), MACROD1 (mono-ADP ribosylhydrolase 1; minus strand). Cytogenetic location: 11q13.1.
Variant type: single nucleotide variant.
Coding change: c.211G>C on transcript NM_013280.5 (MANE Select); coding-DNA position 211, G replaced by C.
Protein change: p.Gly71Arg; replaces glycine 71 with arginine.
Molecular consequence: missense variant. On other transcripts: intron variant (2).
Genome position (GRCh38, 1-based): chr11:64,116,478, G>C. VCF-style: chr11-64116478-G-C. GRCh37 (hg19) VCF-style: chr11-63883950-G-C.
Other names: c.211G>C, p.Gly71Arg (NM_001384466.1); c.127G>C, p.Gly43Arg (NM_001423967.1); c.517+34761C>G (NM_001411019.1, NM_014067.4); short protein forms G71R, G43R.
Identifiers: ClinVar variation 530933 (VCV000530933.9), dbSNP rs777177875, ClinGen allele CA6067440.